The following is an entry in ClinVar:

NM_005419.4(STAT2):c.1791del (p.Leu599fs)

Gene: STAT2 (signal transducer and activator of transcription 2; minus strand). Cytogenetic location: 12q13.3.
Variant type: Deletion.
Coding change: c.1791del on transcript NM_005419.4 (MANE Select); coding-DNA position 1791, one base deleted (C; older notation c.1791delC).
Protein change: p.Leu599fs; shifts the reading frame from leucine 599.
Molecular consequence: frameshift variant.
Genome position (GRCh38, 1-based): chr12:56,346,889, G deleted on the plus strand (C on the coding strand, the reverse complement: STAT2 is on the minus strand); the first of 2 consecutive G bases (chr12:56,346,889-56,346,890); deleting either gives the same sequence. VCF-style (leftmost placement, unchanged base first): chr12-56346888-AG-A. GRCh37 (hg19) VCF-style: chr12-56740672-AG-A.
Other names: c.1779del, p.Leu595fs (NM_198332.2); short protein forms L599fs, L595fs.
Identifiers: ClinVar variation 966700 (VCV000966700.7), dbSNP rs1877554115, ClinGen allele CA1139662740.

ClinVar aggregate classification (germline): Pathogenic (1 of 4 stars; one submission).

Conditions:
Primary immunodeficiency with post-measles-mumps-rubella vaccine viral infection. Also called: Immunodeficiency 44. Identifiers: Orphanet 431166, MedGen C4225260, MONDO:0014715, OMIM 616636.

Submission:

Labcorp Genetics (formerly Invitae), Labcorp
Classification: Pathogenic for Primary immunodeficiency with post-measles-mumps-rubella vaccine viral infection. Last evaluated: 2022-07-26. Review status: criteria provided, single submitter. Criteria: Invitae Variant Classification Sherloc (09022015). Collection method: clinical testing. Allele origin: germline.
Comment: For these reasons, this variant has been classified as Pathogenic. ClinVar contains an entry for this variant (Variation ID: 966700). This variant has not been reported in the literature in individuals affected with STAT2-related conditions. This variant is not present in population databases (gnomAD no frequency). This sequence change creates a premature translational stop signal (p.Leu599Tyrfs*43) in the STAT2 gene. It is expected to result in an absent or disrupted protein product. Loss-of-function variants in STAT2 are known to be pathogenic (PMID: 23391734, 26122121).

Literature cited by the submitters: PubMed 23391734; PubMed 26122121.